The following is an entry in ClinVar:

NM_152564.5(VPS13B):c.6953A>C (p.Glu2318Ala)

Gene: VPS13B (vacuolar protein sorting 13 homolog B; plus strand). Cytogenetic location: 8q22.2.
Variant type: single nucleotide variant.
Coding change: c.6953A>C on transcript NM_152564.5 (MANE Select); coding-DNA position 6953, A replaced by C.
Protein change: p.Glu2318Ala; replaces glutamic acid 2318 with alanine.
Molecular consequence: missense variant.
Genome position (GRCh38, 1-based): chr8:99,720,950, A>C. VCF-style: chr8-99720950-A-C. GRCh37 (hg19) VCF-style: chr8-100733178-A-C.
Other names: c.7028A>C, p.Glu2343Ala (NM_017890.5); short protein forms E2318A, E2343A.
Identifiers: ClinVar variation 3348941 (VCV003348941.1).
Genomic context (GRCh38, chr8:99,720,950, plus strand): 5'-AAGTCTTATTTTATAATGAAACTGAAGATTGCCCAGGGATGATGTTATGGAGATATCCAG[A>C]ACCTAGAGTACTCACCCTTGTACGAATAACTCCTGTACCTTTTAACACCACAGAGGATCC-3'
Protein context (NP_689777.3, residues 2308-2328): CPGMMLWRYP[Glu2318Ala]PRVLTLVRIT

ClinVar aggregate classification (germline): Uncertain significance (0 of 4 stars; one submission).

Conditions:
VPS13B-related disorder. Also called: VPS13B-related condition.

gnomAD v4.1: 1 of 1,614,080 alleles (0.000062%); no homozygotes.

Submission:

PreventionGenetics, part of Exact Sciences
Classification: Uncertain significance for VPS13B-related condition. Last evaluated: 2024-01-02. Review status: no assertion criteria provided. Collection method: clinical testing. Allele origin: germline.
Comment: The VPS13B c.6953A>C variant is predicted to result in the amino acid substitution p.Glu2318Ala. To our knowledge, this variant has not been reported in the literature or in a large population database, indicating this variant is rare. At this time, the clinical significance of this variant is uncertain due to the absence of conclusive functional and genetic evidence.